The following is an entry in ClinVar:

NM_000096.4(CP):c.147-9T>A

Gene: CP (ceruloplasmin; minus strand). Cytogenetic location: 3q25.1.
Variant type: single nucleotide variant.
Coding change: c.147-9T>A on transcript NM_000096.4 (MANE Select); 9 bases into the intron before coding-DNA position 147, T replaced by A.
Molecular consequence: intron variant.
Genome position (GRCh38, 1-based): chr3:149,212,707, A>T on the plus strand (T>A on the coding strand, the complement: CP is on the minus strand). VCF-style: chr3-149212707-A-T. GRCh37 (hg19) VCF-style: chr3-148930494-A-T.
Identifiers: ClinVar variation 2018146 (VCV002018146.4), dbSNP rs2472871515, ClinGen allele CA2580068952.
Genomic context (GRCh38, chr3:149,212,707, plus strand): 5'-TAGTCTCCCAATTCTATCTGGGCCATTTTGAAGATAGATATTGGAATGTTCCCTGCAAAG[A>T]AAAACAAGACAACTCTATCAGAAGCCATCATTTCTAGGGATGACATTATCATTATAATTT-3'

ClinVar aggregate classification (germline): Uncertain significance (1 of 4 stars; one submission).

Conditions:
Deficiency of ferroxidase (ACEP). Also called: NEURODEGENERATION WITH BRAIN IRON ACCUMULATION 10; Aceruloplasminemia; Ceruloplasmin deficiency; Familial apoceruloplasmin deficiency; Hereditary ceruloplasmin deficiency; Deficiency of ceruloplasmin. Identifiers: Orphanet 48818, MedGen C0878682, MONDO:0011426, OMIM 604290, HP:0025498.

Submission:

Labcorp Genetics (formerly Invitae), Labcorp
Classification: Uncertain significance for Deficiency of ferroxidase. Last evaluated: 2022-07-25. Review status: criteria provided, single submitter. Criteria: Invitae Variant Classification Sherloc (09022015). Collection method: clinical testing. Allele origin: germline.
Comment: In summary, the available evidence is currently insufficient to determine the role of this variant in disease. Therefore, it has been classified as a Variant of Uncertain Significance. Algorithms developed to predict the effect of sequence changes on RNA splicing suggest that this variant may disrupt the consensus splice site. This variant has not been reported in the literature in individuals affected with CP-related conditions. This variant is not present in population databases (gnomAD no frequency). This sequence change falls in intron 1 of the CP gene. It does not directly change the encoded amino acid sequence of the CP protein.